The following is an entry in ClinVar:

NM_000260.4(MYO7A):c.6091C>T (p.Arg2031Trp)

Gene: MYO7A (myosin VIIA; plus strand). Cytogenetic location: 11q13.5.
Variant type: single nucleotide variant.
Coding change: c.6091C>T on transcript NM_000260.4 (MANE Select); coding-DNA position 6091, C replaced by T.
Protein change: p.Arg2031Trp; replaces arginine 2031 with tryptophan.
Molecular consequence: missense variant.
Genome position (GRCh38, 1-based): chr11:77,211,191, C>T. VCF-style: chr11-77211191-C-T. GRCh37 (hg19) VCF-style: chr11-76922236-C-T.
Other names: c.5977C>T, p.Arg1993Trp (NM_001127180.2); c.5944C>T, p.Arg1982Trp (NM_001369365.1); short protein forms R2031W, R1993W, R1982W.
Identifiers: ClinVar variation 1040259 (VCV001040259.25), dbSNP rs369460086, ClinGen allele CA6198934.

ClinVar aggregate classification (germline): Conflicting classifications of pathogenicity. Review status: criteria provided, conflicting classifications (1 of 4 stars). 4 submissions from 4 submitters: Uncertain significance (2); Likely benign (1). 1 of the submissions does not count toward it. Last evaluated 2025-08-31.

Conditions:
Usher syndrome type 1B (USH1B). Also called: Usher syndrome type IB. Identifiers: MedGen C1848638, MONDO:0700087.

Allele frequency attached by ClinVar (database versions not stated): gnomAD exomes 0.00003 and 0.00007; gnomAD 0.00006 and 0.00007; TOPMed 0.00010; ESP Exome Variant Server 0.00016; ExAC 0.00017.
gnomAD v4.1: 113 of 1,592,862 alleles (0.0071%); highest among the groups gnomAD compares: African/African-American, 0.023%; no homozygotes.

Submissions (5):

Labcorp Genetics (formerly Invitae), Labcorp
Classification: Likely benign. Last evaluated: 2025-08-31. Review status: criteria provided, single submitter. Criteria: Invitae Variant Classification Sherloc (09022015). Collection method: clinical testing. Allele origin: germline.

CeGaT Center for Human Genetics Tuebingen
Classification: Uncertain significance. Last evaluated: 2024-07-01. Review status: criteria provided, single submitter. Criteria: CeGaT Center For Human Genetics Tuebingen Variant Classification Criteria Version 2. Collection method: clinical testing. Allele origin: germline. Affected: yes. Observed: 1 variant allele.
Comment: MYO7A: PM2:Supporting, PP3

Blueprint Genetics
Classification: Uncertain significance. Last evaluated: 2024-05-03. Review status: criteria provided, single submitter. Criteria: ACMG Guidelines, 2015. Collection method: clinical testing. Allele origin: germline.

Natera, Inc.
Classification: Uncertain significance for Usher syndrome type 1B. Last evaluated: 2020-02-26. Review status: no assertion criteria provided. Collection method: clinical testing. Allele origin: germline. Not counted in ClinVar's aggregate classification.

Dr. Peter K. Rogan Lab, Western University
No classification provided (evidence only). Condition: Familial cancer of breast. Review status: no classification provided. Collection method: in vitro. Allele origin: not applicable. Functional consequence: retained intron. Not counted in ClinVar's aggregate classification.